The following is an entry in ClinVar:

NM_000059.4(BRCA2):c.1273_1274del (p.Glu425fs)

Gene: BRCA2 (BRCA2 DNA repair associated; plus strand). Cytogenetic location: 13q13.1.
Variant type: Deletion.
Coding change: c.1273_1274del on transcript NM_000059.4 (MANE Select); coding-DNA positions 1273 to 1274, 2 bases deleted (GA; older notation c.1273_1274delGA).
Protein change: p.Glu425fs; shifts the reading frame from glutamic acid 425.
Molecular consequence: frameshift variant.
Genome position (GRCh38, 1-based): chr13:32,332,751-32,332,752, GA deleted; deleting any 2 consecutive bases within chr13:32,332,750-32,332,752 gives the same sequence; the c. name uses the placement nearest the transcript's 3' end. VCF-style (leftmost placement, unchanged base first): chr13-32332749-CAG-C. GRCh37 (hg19) VCF-style: chr13-32906886-CAG-C.
Other names: short protein forms E425fs.
Identifiers: ClinVar variation 438768 (VCV000438768.2), dbSNP rs1555281805, ClinGen allele CA645509337.

ClinVar aggregate classification (germline): Pathogenic (0 of 4 stars; one submission).

Conditions:
Breast-ovarian cancer, familial, susceptibility to, 2 (BROVCA2). Also called: BRCA2 Hereditary Breast and Ovarian Cancer. Identifiers: Orphanet 145, MedGen C2675520, MONDO:0012933, OMIM 612555. Disease mechanism: loss of function.

Submission:

Donald Williams Parsons Laboratory, Baylor College of Medicine
Classification: Pathogenic for Breast-ovarian cancer, familial, susceptibility to, 2. Last evaluated: 2013-05-18. Review status: no assertion criteria provided. Collection method: research. Allele origin: paternal. Inheritance: Autosomal dominant inheritance. Affected: yes. Observed: 1 variant allele, 1 heterozygote. Study: CSER-BASIC3.
Comment: This frameshift variant is categorized as deleterious according to ACMG guidelines (PMID:18414213).

Literature cited by the submitters: PubMed 26822237.